The following is an entry in ClinVar:

ClinVar aggregate classification (germline): Uncertain significance. Review status: criteria provided, multiple submitters, no conflicts (2 of 4 stars). 2 submissions from 2 submitters: Uncertain significance (2). Last evaluated 2025-01-31.

Conditions:
Inborn genetic diseases. Identifiers: MedGen C0950123, MeSH D030342.

Allele frequency attached by ClinVar (database versions not stated): gnomAD exomes below 0.00001; ExAC 0.00001.
gnomAD v4.1: 2 of 1,613,560 alleles (0.00012%); highest among the groups gnomAD compares: Admixed American, 0.0017%; no homozygotes.

Submissions (2):

Ambry Genetics
Classification: Uncertain significance for Inborn genetic diseases. Last evaluated: 2025-01-31. Review status: criteria provided, single submitter. Criteria: Ambry Variant Classification Scheme 2023. Collection method: clinical testing. Allele origin: germline.

Labcorp Genetics (formerly Invitae), Labcorp
Classification: Uncertain significance. Last evaluated: 2024-11-06. Review status: criteria provided, single submitter. Criteria: Invitae Variant Classification Sherloc (09022015). Collection method: clinical testing. Allele origin: germline.
Comment: This sequence change replaces glutamic acid, which is acidic and polar, with lysine, which is basic and polar, at codon 323 of the SEPT9 protein (p.Glu323Lys). This variant is not present in population databases (gnomAD no frequency). This variant has not been reported in the literature in individuals affected with SEPT9-related conditions. ClinVar contains an entry for this variant (Variation ID: 1682634). Invitae Evidence Modeling of protein sequence and biophysical properties (such as structural, functional, and spatial information, amino acid conservation, physicochemical variation, residue mobility, and thermodynamic stability) indicates that this missense variant is not expected to disrupt SEPT9 protein function with a negative predictive value of 80%. In summary, the available evidence is currently insufficient to determine the role of this variant in disease. Therefore, it has been classified as a Variant of Uncertain Significance.

NM_001113491.2(SEPTIN9):c.1021G>A (p.Glu341Lys)

Gene: SEPTIN9 (septin 9; plus strand). Cytogenetic location: 17q25.3.
Variant type: single nucleotide variant.
Coding change: c.1021G>A on transcript NM_001113491.2 (MANE Select); coding-DNA position 1021, G replaced by A.
Protein change: p.Glu341Lys; replaces glutamic acid 341 with lysine.
Molecular consequence: missense variant.
Genome position (GRCh38, 1-based): chr17:77,487,531, G>A. VCF-style: chr17-77487531-G-A. GRCh37 (hg19) VCF-style: chr17-75483613-G-A.
Other names: c.529G>A, p.Glu177Lys (NM_001113492.2, NM_001113494.1); c.1000G>A, p.Glu334Lys (NM_001113493.2); c.268G>A, p.Glu90Lys (NM_001113495.2, NM_001113496.2, NM_001293697.2 and 1 more transcripts); c.964G>A, p.Glu322Lys (NM_001293695.2); c.349G>A, p.Glu117Lys (NM_001293696.2); c.967G>A, p.Glu323Lys (NM_006640.5); c.967G>A (NM_006640.4); short protein forms E117K, E177K, E322K, E323K, E334K, E341K, E90K.
Identifiers: ClinVar variation 1682634 (VCV001682634.8), dbSNP rs368073599, ClinGen allele CA8793630.
Genomic context (GRCh38, chr17:77,487,531, plus strand): 5'-TCCAAAATCAGCCGGAAGTCGGTGCAGCCCACCTCAGAGGAGCGCATCCCCAAGACCATC[G>A]AGATCAAGTCCATCACGCACGGTCAGTGGCCGGGAGTGGGCTGGGGGTGCAGGACGCCCC-3'
Protein context (NP_001106963.1, residues 331-351): TSEERIPKTI[Glu341Lys]IKSITHDIEE